The following is an entry in ClinVar:

ClinVar aggregate classification (germline): Uncertain significance (1 of 4 stars; one submission).

Conditions:
GDF1-related disorder. Also called: GDF1-related condition.

Allele frequency attached by ClinVar (database versions not stated): gnomAD exomes 0.00001.
gnomAD v4.1: 9 of 1,561,182 alleles (0.00058%); highest among the groups gnomAD compares: Non-Finnish European, 0.00078%; no homozygotes.

Submission:

PreventionGenetics, part of Exact Sciences
Classification: Uncertain significance for GDF1-related condition. Last evaluated: 2023-09-08. Review status: criteria provided, single submitter. Criteria: ACMG Guidelines, 2015. Collection method: clinical testing. Allele origin: germline.
Comment: The GDF1 c.136C>T variant is predicted to result in the amino acid substitution p.Arg46Cys. To our knowledge, this variant has not been reported in the literature. This variant is reported in 0.0026% of alleles in individuals of European (Non-Finnish) descent in gnomAD. At this time, the clinical significance of this variant is uncertain due to the absence of conclusive functional and genetic evidence.

NM_001492.6(GDF1):c.136C>T (p.Arg46Cys)

Genes: CERS1 (ceramide synthase 1; minus strand), GDF1 (growth differentiation factor 1; minus strand). Cytogenetic location: 19p13.11.
Variant type: single nucleotide variant.
Coding change: c.136C>T on transcript NM_001492.6 (MANE Select); coding-DNA position 136, C replaced by T.
Protein change: p.Arg46Cys; replaces arginine 46 with cysteine.
Molecular consequence: missense variant. On other transcripts: 3 prime UTR variant (2).
Genome position (GRCh38, 1-based): chr19:18,870,172, G>A on the plus strand (C>T on the coding strand, the complement: GDF1 is on the minus strand). VCF-style: chr19-18870172-G-A. GRCh37 (hg19) VCF-style: chr19-18980981-G-A.
Other names: c.*405C>T (NM_001387440.1, NM_021267.5); c.136C>T, p.Arg46Cys (NM_001387438.1); short protein forms R46C.
Identifiers: ClinVar variation 2632124 (VCV002632124.1), dbSNP rs1351573913, ClinGen allele CA404863884.
Genomic context (GRCh38, chr19:18,870,172, plus strand): 5'-ACAGGCGCCACATGACCGGGGGAACCGGCCGGAGCCTGGGGGCACCCTGGGGCTCATCGC[G>A]CAGTCCTAGAGCCTGGAGCAGGGCGGCGGCTGGGCCTGGGGGCACGGGGGCGCGGGTCAG-3'
Protein context (NP_001483.3, residues 36-56): AAALLQALGL[Arg46Cys]DEPQGAPRLR